The following is an entry in ClinVar:

NM_178452.6(DNAAF1):c.1315G>C (p.Glu439Gln)

Gene: DNAAF1 (dynein axonemal assembly factor 1; plus strand). Cytogenetic location: 16q24.1.
Variant type: single nucleotide variant.
Coding change: c.1315G>C on transcript NM_178452.6 (MANE Select); coding-DNA position 1315, G replaced by C.
Protein change: p.Glu439Gln; replaces glutamic acid 439 with glutamine.
Molecular consequence: missense variant.
Genome position (GRCh38, 1-based): chr16:84,170,143, G>C. VCF-style: chr16-84170143-G-C. GRCh37 (hg19) VCF-style: chr16-84203749-G-C.
Other names: c.607G>C, p.Glu203Gln (NM_001318756.1); short protein forms E203Q, E439Q.
Identifiers: ClinVar variation 1500657 (VCV001500657.8), dbSNP rs1385574276, ClinGen allele CA396948204.

ClinVar aggregate classification (germline): Uncertain significance (1 of 4 stars; one submission).

Conditions:
Primary ciliary dyskinesia. Also called: Ciliary dyskinesia. Identifiers: Orphanet 244, MedGen C0008780, MONDO:0016575, HP:0012265.

Allele frequency attached by ClinVar (database versions not stated): gnomAD exomes below 0.00001; gnomAD 0.00001; TOPMed 0.00001.
gnomAD v4.1: 5 of 1,586,186 alleles (0.00032%); highest among the groups gnomAD compares: Middle Eastern, 0.017%; no homozygotes.

Submission:

Labcorp Genetics (formerly Invitae), Labcorp
Classification: Uncertain significance for Primary ciliary dyskinesia. Last evaluated: 2021-07-15. Review status: criteria provided, single submitter. Criteria: Invitae Variant Classification Sherloc (09022015). Collection method: clinical testing. Allele origin: germline.
Comment: This sequence change replaces glutamic acid with glutamine at codon 439 of the DNAAF1 protein (p.Glu439Gln). The glutamic acid residue is weakly conserved and there is a small physicochemical difference between glutamic acid and glutamine. This variant is not present in population databases (ExAC no frequency). This variant has not been reported in the literature in individuals affected with DNAAF1-related conditions. Algorithms developed to predict the effect of missense changes on protein structure and function (SIFT, PolyPhen-2, Align-GVGD) all suggest that this variant is likely to be tolerated. In summary, the available evidence is currently insufficient to determine the role of this variant in disease. Therefore, it has been classified as a Variant of Uncertain Significance.